The following is an entry in ClinVar:

NM_001723.7(DST):c.4826A>G (p.Gln1609Arg)

Gene: DST (dystonin; minus strand). Cytogenetic location: 6p12.1.
Variant type: single nucleotide variant.
Coding change: c.4826A>G on transcript NM_001723.7 (MANE Plus Clinical); coding-DNA position 4826, A replaced by G.
Protein change: p.Gln1609Arg; replaces glutamine 1609 with arginine.
Molecular consequence: missense variant. On other transcripts: intron variant (10).
Genome position (GRCh38, 1-based): chr6:56,619,208, T>C on the plus strand (A>G on the coding strand, the complement: DST is on the minus strand). VCF-style: chr6-56619208-T-C. GRCh37 (hg19) VCF-style: chr6-56484006-T-C.
Other names: c.4831-4724A>G (NM_001144769.5); c.4930-4724A>G (NM_001374722.1, NM_001374736.1); c.4957-4724A>G (NM_001374734.1); c.4417-4724A>G (NM_001144770.2); c.4297-4724A>G (NM_001374730.1, NM_001386100.1, NM_183380.4 and 1 more transcripts); c.3319-4724A>G (NM_015548.5); short protein forms Q1609R.
Identifiers: ClinVar variation 948643 (VCV000948643.10), dbSNP rs2098662012, ClinGen allele CA364568777.
Genomic context (GRCh38, chr6:56,619,208, plus strand): 5'-TTTGTGCTGCGTAGCTGATCTTTAAAACCATCTGCCTGAATTTTCAGTGCTTCACATCTT[T>C]GCTGGATAGTTTGTTTCTCTAAAACTATATTCTCTGATTCTGCCTGAATTCTCTGCATCA-3'
Protein context (NP_001714.1, residues 1599-1619): NIVLEKQTIQ[Gln1609Arg]RCEALKIQAD

ClinVar aggregate classification (germline): Uncertain significance (1 of 4 stars; one submission).

Conditions:
Hereditary sensory and autonomic neuropathy type 6. Also called: HSAN VI; Neuropathy, hereditary sensory and autonomic, type VI. Identifiers: Orphanet 314381, MedGen C3539003, MONDO:0013839, OMIM 614653.
Epidermolysis bullosa simplex 3, localized or generalized intermediate, with BP230 deficiency (EBS3). Also called: Epidermolysis bullosa simplex due to BP230 deficiency; Epidermolysis bullosa simplex, autosomal recessive 2. Identifiers: Orphanet 412181, MedGen C3809470, MONDO:0014180, OMIM 615425.

Allele frequency attached by ClinVar (database versions not stated): gnomAD exomes below 0.00001.
gnomAD v4.1: 5 of 1,614,028 alleles (0.00031%); highest among the groups gnomAD compares: Non-Finnish European, 0.00042%; no homozygotes.

Submission:

Labcorp Genetics (formerly Invitae), Labcorp
Classification: Uncertain significance for Epidermolysis bullosa simplex 3, localized or generalized intermediate, with BP230 deficiency; Hereditary sensory and autonomic neuropathy type 6. Last evaluated: 2020-03-02. Review status: criteria provided, single submitter. Criteria: Invitae Variant Classification Sherloc (09022015). Collection method: clinical testing. Allele origin: germline.
Comment: In summary, the available evidence is currently insufficient to determine the role of this variant in disease. Therefore, it has been classified as a Variant of Uncertain Significance. Algorithms developed to predict the effect of missense changes on protein structure and function are either unavailable or do not agree on the potential impact of this missense change (SIFT: "Deleterious"; PolyPhen-2: "Benign"; Align-GVGD: "Class C0"). This variant has not been reported in the literature in individuals with DST-related conditions. This variant is not present in population databases (ExAC no frequency). This sequence change replaces glutamine with arginine at codon 1609 of the DST protein (p.Gln1609Arg). The glutamine residue is weakly conserved and there is a small physicochemical difference between glutamine and arginine.